The following is an entry in ClinVar:

ClinVar aggregate classification (germline): Conflicting classifications of pathogenicity. Review status: criteria provided, conflicting classifications (1 of 4 stars). 2 submissions from 2 submitters: Uncertain significance (1); Likely benign (1). Last evaluated 2022-04-15.

Conditions:
Platelet-type bleeding disorder 15 (BDPLT15). Also called: MACROTHROMBOCYTOPENIA, AUTOSOMAL DOMINANT, ACTN1-RELATED. Identifiers: Orphanet 140957, MedGen C3554663, MONDO:0014078, OMIM 615193.

Allele frequency attached by ClinVar (database versions not stated): TOPMed 0.00007; gnomAD 0.00008; ESP Exome Variant Server 0.00023.
gnomAD v4.1: 143 of 1,613,526 alleles (0.0089%); highest among the groups gnomAD compares: Non-Finnish European, 0.012%; no homozygotes.

Submissions (2):

Labcorp Genetics (formerly Invitae), Labcorp
Classification: Uncertain significance. Last evaluated: 2022-04-15. Review status: criteria provided, single submitter. Criteria: Invitae Variant Classification Sherloc (09022015). Collection method: clinical testing. Allele origin: germline.
Comment: In summary, the available evidence is currently insufficient to determine the role of this variant in disease. Therefore, it has been classified as a Variant of Uncertain Significance. Algorithms developed to predict the effect of missense changes on protein structure and function are either unavailable or do not agree on the potential impact of this missense change (SIFT: "Deleterious"; PolyPhen-2: "Benign"; Align-GVGD: "Class C0"). This variant has not been reported in the literature in individuals affected with ACTN1-related conditions. This variant is present in population databases (rs148344567, gnomAD 0.007%). This sequence change replaces arginine, which is basic and polar, with cysteine, which is neutral and slightly polar, at codon 872 of the ACTN1 protein (p.Arg872Cys).

ISTH-SSC Genomics in Thrombosis and Hemostasis, KU Leuven, Center for Molecular and Vascular Biology
Classification: Likely benign for Platelet-type bleeding disorder 15. Review status: criteria provided, single submitter. Criteria: ACMG Guidelines, 2015. Collection method: clinical testing. Allele origin: germline. Affected: yes. Observed: 1 heterozygote.
Comment: Submitted to the GoldVariant database by Dr Marie-Christine Morel-Kopp; Northern Blood Research Centre, Sydney, Australia

NM_001130004.2(ACTN1):c.2614C>T (p.Arg872Cys)

Gene: ACTN1 (actinin alpha 1; minus strand). Cytogenetic location: 14q24.1.
Variant type: single nucleotide variant.
Coding change: c.2614C>T on transcript NM_001130004.2 (MANE Select); coding-DNA position 2614, C replaced by T.
Protein change: p.Arg872Cys; replaces arginine 872 with cysteine.
Molecular consequence: missense variant.
Genome position (GRCh38, 1-based): chr14:68,874,990, G>A on the plus strand (C>T on the coding strand, the complement: ACTN1 is on the minus strand). VCF-style: chr14-68874990-G-A. GRCh37 (hg19) VCF-style: chr14-69341707-G-A.
Other names: c.2548C>T, p.Arg850Cys (NM_001102.4); c.2533C>T, p.Arg845Cys (NM_001130005.2); c.2557C>T, p.Arg853Cys (NM_001411035.1); c.2353C>T, p.Arg785Cys (NM_001411036.1); short protein forms R785C, R872C, R850C, R853C, R845C.
Identifiers: ClinVar variation 2175579 (VCV002175579.5), dbSNP rs148344567, ClinGen allele CA7241902.
Genomic context (GRCh38, chr14:68,874,990, plus strand): 5'-GGCCGGTGTAGGGGGCCATCCGCGCGATGCAGTACTCAGCCTGGTCGGGTGGCAGCTCGC[G>A]GCGCAGCTCGTCCATGGTAATGTAGTTCTGCGAGGAGAGAGTGGTCAGGAAGGCCGCAAA-3'
Protein context (NP_001123476.1, residues 862-882): KNYITMDELR[Arg872Cys]ELPPDQAEYC